The following is an entry in ClinVar:

ClinVar aggregate classification (germline): Uncertain significance (1 of 4 stars; one submission).

Conditions:
Microcephaly-intellectual disability-sensorineural hearing loss-epilepsy-abnormal muscle tone syndrome (NEDHSB). Also called: NEURODEVELOPMENTAL DISORDER WITH HEARING LOSS, SEIZURES, AND BRAIN ABNORMALITIES. Identifiers: Orphanet 457351, MedGen C4225276, MONDO:0014698, OMIM 616577.

Allele frequency attached by ClinVar (database versions not stated): gnomAD 0.00001; gnomAD exomes 0.00001; TOPMed 0.00001.
gnomAD v4.1: 4 of 1,599,284 alleles (0.00025%); highest among the groups gnomAD compares: Admixed American, 0.0053%; no homozygotes.

Submission:

Labcorp Genetics (formerly Invitae), Labcorp
Classification: Uncertain significance for Microcephaly-intellectual disability-sensorineural hearing loss-epilepsy-abnormal muscle tone syndrome. Last evaluated: 2026-01-05. Review status: criteria provided, single submitter. Criteria: Invitae Variant Classification Sherloc (09022015). Collection method: clinical testing. Allele origin: germline.
Comment: This sequence change replaces glutamic acid, which is acidic and polar, with aspartic acid, which is acidic and polar, at codon 842 of the SPATA5 protein (p.Glu842Asp). This variant is present in population databases (no rsID available, gnomAD 0.01%). This variant has not been reported in the literature in individuals affected with SPATA5-related conditions. ClinVar contains an entry for this variant (Variation ID: 946458). Invitae Evidence Modeling of protein sequence and biophysical properties (such as structural, functional, and spatial information, amino acid conservation, physicochemical variation, residue mobility, and thermodynamic stability) has been performed for this missense variant. However, the output from this modeling did not meet the statistical confidence thresholds required to predict the impact of this variant on SPATA5 protein function. In summary, the available evidence is currently insufficient to determine the role of this variant in disease. Therefore, it has been classified as a Variant of Uncertain Significance.

NM_145207.3(AFG2A):c.2526G>C (p.Glu842Asp)

Gene: AFG2A (AAA ATPase AFG2A; plus strand). Cytogenetic location: 4q28.1.
Variant type: single nucleotide variant.
Coding change: c.2526G>C on transcript NM_145207.3 (MANE Select); coding-DNA position 2526, G replaced by C.
Protein change: p.Glu842Asp; replaces glutamic acid 842 with aspartic acid.
Molecular consequence: missense variant.
Genome position (GRCh38, 1-based): chr4:123,313,908, G>C. VCF-style: chr4-123313908-G-C. GRCh37 (hg19) VCF-style: chr4-124235063-G-C.
Other names: c.2523G>C, p.Glu841Asp (NM_001345856.2); short protein forms E841D, E842D.
Identifiers: ClinVar variation 946458 (VCV000946458.5), dbSNP rs1410825121, ClinGen allele CA358228696.